The following is an entry in ClinVar:

NM_001035.3(RYR2):c.13974A>G (p.Gly4658=)

Gene: RYR2 (ryanodine receptor 2; plus strand). Cytogenetic location: 1q43.
Variant type: single nucleotide variant.
Coding change: c.13974A>G on transcript NM_001035.3 (MANE Select); coding-DNA position 13974, A replaced by G.
Protein change: p.Gly4658=; no amino-acid change (glycine 4658 retained).
Molecular consequence: synonymous variant.
Genome position (GRCh38, 1-based): chr1:237,798,054, A>G. VCF-style: chr1-237798054-A-G. GRCh37 (hg19) VCF-style: chr1-237961354-A-G.
Other names: c.13974A>G, p.Gly4658= (LRG_402t1).
Identifiers: ClinVar variation 412838 (VCV000412838.26), dbSNP rs374606415, ClinGen allele CA067834.
Genomic context (GRCh38, chr1:237,798,054, plus strand): 5'-TTAATGGTTGAAGCCAACAAAATGCTTTTTCTCATACCCCAAGGTTATGGATAAATATGG[A>G]GAGTTCTACGGCCGAGACAGAATCAGTGAATTACTTGGCATGGACAAGGCAGCTCTGGAC-3'
Protein context (NP_001026.2, residues 4648-4668): FVKRKVMDKY[Gly4658=]EFYGRDRISE

ClinVar aggregate classification (germline): Benign/Likely benign. Review status: criteria provided, multiple submitters, no conflicts (2 of 4 stars). 8 submissions from 8 submitters: Benign (4); Likely benign (4). Last evaluated 2025-12-26.

Conditions:
Ventricular arrhythmias due to cardiac ryanodine receptor calcium release deficiency syndrome. Also called: Autosomal dominant cardiac arrhythmia (Kuhn). Identifiers: MedGen C5542154, MONDO:0020745, OMIM 115000.
Arrhythmogenic right ventricular dysplasia 2. Identifiers: MedGen C1832931.
Catecholaminergic polymorphic ventricular tachycardia 1. Also called: RYR2-Related Catecholaminergic Polymorphic Ventricular Tachycardia; VENTRICULAR TACHYCARDIA, CATECHOLAMINERGIC POLYMORPHIC, 1, WITH OR WITHOUT ATRIAL DYSFUNCTION AND/OR DILATED CARDIOMYOPATHY; VENTRICULAR TACHYCARDIA, STRESS-INDUCED POLYMORPHIC 1. Identifiers: Orphanet 3286, MedGen C1631597, MONDO:0011484, OMIM 604772.
Cardiovascular phenotype. Identifiers: MedGen CN230736.
Catecholaminergic polymorphic ventricular tachycardia (CVPT). Also called: Catecholamine-induced polymorphic ventricular tachycardia. Identifiers: Orphanet 3286, MedGen C5574922, MONDO:0017990.
Cardiomyopathy (CMYO). Also called: Cardiomyopathies. Identifiers: Orphanet 167848, MedGen C0878544, MONDO:0004994, HP:0001638. Inheritance: Various modes of inheritance.

Allele frequency attached by ClinVar (database versions not stated): gnomAD exomes 0.00003 and 0.00007; ExAC 0.00011; 1000 Genomes Project 30x 0.00016; 1000 Genomes Project 0.00020; gnomAD 0.00040 and 0.00043; TOPMed 0.00040; ESP Exome Variant Server 0.00050.
gnomAD v4.1: 98 of 1,610,756 alleles (0.0061%); highest among the groups gnomAD compares: African/African-American, 0.12%; no homozygotes.

Submissions (8):

Labcorp Genetics (formerly Invitae), Labcorp
Classification: Likely benign for Catecholaminergic polymorphic ventricular tachycardia 1. Last evaluated: 2025-12-26. Review status: criteria provided, single submitter. Criteria: Invitae Variant Classification Sherloc (09022015). Collection method: clinical testing. Allele origin: germline.

All of Us Research Program, National Institutes of Health
Classification: Benign for Catecholaminergic polymorphic ventricular tachycardia. Last evaluated: 2024-01-11. Review status: criteria provided, single submitter. Criteria: ACMG Guidelines, 2015. Collection method: clinical testing. Allele origin: germline. Inheritance: Autosomal dominant inheritance. Observed: 14 variant alleles, 14 heterozygotes.
Comment: This study involves interpretation of variants in research participants for the purpose of population health screening. Participant phenotype was not available at the time of variant classification. Additional details can be found in publication PMID: 35346344, PMCID: PMC8962531

Blueprint Genetics
Classification: Likely benign. Last evaluated: 2023-06-19. Review status: criteria provided, single submitter. Criteria: ACMG Guidelines, 2015. Collection method: clinical testing. Allele origin: germline.

Women's Health and Genetics/Laboratory Corporation of America, LabCorp
Classification: Benign. Last evaluated: 2022-05-07. Review status: criteria provided, single submitter. Criteria: LabCorp Variant Classification Summary - May 2015. Collection method: clinical testing. Allele origin: germline.

Fulgent Genetics
Classification: Likely benign for Ventricular arrhythmias due to cardiac ryanodine receptor calcium release deficiency syndrome; Catecholaminergic polymorphic ventricular tachycardia 1. Last evaluated: 2021-08-24. Review status: criteria provided, single submitter. Criteria: ACMG Guidelines, 2015. Collection method: clinical testing. Allele origin: unknown.

Color Diagnostics, LLC DBA Color Health
Classification: Benign for Cardiomyopathy. Last evaluated: 2018-12-31. Review status: criteria provided, single submitter. Criteria: ACMG Guidelines, 2015. Collection method: clinical testing. Allele origin: germline.

Ambry Genetics
Classification: Likely benign for Cardiovascular phenotype. Last evaluated: 2017-07-13. Review status: criteria provided, single submitter. Criteria: Ambry Variant Classification Scheme 2023. Collection method: clinical testing. Allele origin: germline.

GeneDx
Classification: Benign. Last evaluated: 2015-03-03. Review status: criteria provided, single submitter. Criteria: GeneDx Variant Classification Process June 2021. Collection method: clinical testing. Allele origin: germline. Affected: yes.